The following is an entry in ClinVar:

NM_000836.4(GRIN2D):c.479C>T (p.Thr160Ile)

Gene: GRIN2D (glutamate ionotropic receptor NMDA type subunit 2D; plus strand). Cytogenetic location: 19q13.33.
Variant type: single nucleotide variant.
Coding change: c.479C>T on transcript NM_000836.4 (MANE Select); coding-DNA position 479, C replaced by T.
Protein change: p.Thr160Ile; replaces threonine 160 with isoleucine.
Molecular consequence: missense variant.
Genome position (GRCh38, 1-based): chr19:48,404,747, C>T. VCF-style: chr19-48404747-C-T. GRCh37 (hg19) VCF-style: chr19-48908004-C-T.
Other names: short protein forms T160I.
Identifiers: ClinVar variation 2132373 (VCV002132373.6), dbSNP rs777190519, ClinGen allele CA406690582.

ClinVar aggregate classification (germline): Conflicting classifications of pathogenicity. Review status: criteria provided, conflicting classifications (1 of 4 stars). 2 submissions from 2 submitters: Uncertain significance (1); Likely benign (1). Last evaluated 2026-06-01.

Submissions (2):

CeGaT Center for Human Genetics Tuebingen
Classification: Likely benign. Last evaluated: 2026-06-01. Review status: criteria provided, single submitter. Criteria: CeGaT Center For Human Genetics Tuebingen Variant Classification Criteria Version 2. Collection method: clinical testing. Allele origin: germline. Affected: yes. Observed: 1 variant allele.
Comment: GRIN2D: BS2

Labcorp Genetics (formerly Invitae), Labcorp
Classification: Uncertain significance. Last evaluated: 2025-01-06. Review status: criteria provided, single submitter. Criteria: Invitae Variant Classification Sherloc (09022015). Collection method: clinical testing. Allele origin: germline.
Comment: This sequence change replaces threonine, which is neutral and polar, with isoleucine, which is neutral and non-polar, at codon 160 of the GRIN2D protein (p.Thr160Ile). This variant is present in population databases (no rsID available, gnomAD 0.0009%). This variant has not been reported in the literature in individuals affected with GRIN2D-related conditions. ClinVar contains an entry for this variant (Variation ID: 2132373). Invitae Evidence Modeling of protein sequence and biophysical properties (such as structural, functional, and spatial information, amino acid conservation, physicochemical variation, residue mobility, and thermodynamic stability) indicates that this missense variant is not expected to disrupt GRIN2D protein function with a negative predictive value of 80%. In summary, the available evidence is currently insufficient to determine the role of this variant in disease. Therefore, it has been classified as a Variant of Uncertain Significance.